The following is an entry in ClinVar:

ClinVar aggregate classification (germline): Pathogenic (1 of 4 stars; one submission).

Conditions:
VPS13A-related neurodegenerative disease. Also called: ACANTHOCYTOSIS WITH NEUROLOGIC DISORDER; LEVINE-CRITCHLEY SYNDROME; Choreoacanthocytosis; Chorea-acanthocytosis; Choreaacanthocytosis; VPS13A Disease. Identifiers: Orphanet 2388, MedGen C0393576, MONDO:0008695, OMIM 200150.

Submission:

Myriad Genetics, Inc.
Classification: Pathogenic for VPS13A-related neurodegenerative disease. Last evaluated: 2024-05-14. Review status: criteria provided, single submitter. Criteria: Myriad Autosomal Dominant, Autosomal Recessive and X-Linked Classification Criteria (2023). Collection method: clinical testing. Allele origin: unknown.
Comment: NM_033305.2(VPS13A):c.6419C>G(S2140*) is expected to be pathogenic in the context of VPS13A disease. This variant is predicted to lead to an abnormal or absent protein product due to the creation of a premature termination codon in VPS13A, a gene where loss-of-function variants are known to be pathogenic. Please note: this variant was assessed in the context of healthy population screening.

NM_033305.3(VPS13A):c.6419C>G (p.Ser2140Ter)

Gene: VPS13A (vacuolar protein sorting 13 homolog A; plus strand). Cytogenetic location: 9q21.2.
Variant type: single nucleotide variant.
Coding change: c.6419C>G on transcript NM_033305.3 (MANE Select); coding-DNA position 6419, C replaced by G.
Protein change: p.Ser2140Ter; replaces serine 2140 with a stop codon.
Molecular consequence: nonsense.
Genome position (GRCh38, 1-based): chr9:77,339,556, C>G. VCF-style: chr9-77339556-C-G. GRCh37 (hg19) VCF-style: chr9-79954472-C-G.
Other names: c.6302C>G, p.Ser2101Ter (NM_001018037.2); c.6419C>G, p.Ser2140Ter (NM_001018038.3, NM_015186.4); short protein forms S2101*, S2140*.
Identifiers: ClinVar variation 5011278 (VCV005011278.1).